The following is an entry in ClinVar:

ClinVar aggregate classification (germline): Pathogenic. Review status: criteria provided, multiple submitters, no conflicts (2 of 4 stars). 2 submissions from 2 submitters: Pathogenic (2). Last evaluated 2021-05-05.

Conditions:
Intellectual developmental disorder with speech delay and axonal peripheral neuropathy. Identifiers: MedGen C5436813, MONDO:0030849, OMIM 619099.

Allele frequency attached by ClinVar (database versions not stated): gnomAD exomes below 0.00001; ExAC 0.00001.
gnomAD v4.1: 3 of 1,613,676 alleles (0.00019%); highest among the groups gnomAD compares: African/African-American, 0.0013%; no homozygotes.

Submissions (2):

GeneDx
Classification: Pathogenic. Last evaluated: 2021-05-05. Review status: criteria provided, single submitter. Criteria: GeneDx Variant Classification Process June 2021. Collection method: clinical testing. Allele origin: germline. Affected: yes.
Comment: Nonsense variant predicted to result in protein truncation or nonsense mediated decay in a gene for which loss-of-function is a known mechanism of disease; Not observed in large population cohorts (Lek et al., 2016); Observed published literature in an individual with developmental delay who harbored another NEMF variant, the phase of which was unknown (Martin et al., 2020); This variant is associated with the following publications: (PMID: 32934225)

Genetics and Genomic Medicine Centre, NeuroGen Healthcare, NeuroGen Healthcare
Classification: Pathogenic for Intellectual developmental disorder with speech delay and axonal peripheral neuropathy. Last evaluated: 2020-10-05. Review status: criteria provided, single submitter. Criteria: Submitter's publication. Collection method: clinical testing. Allele origin: unknown. Affected: no.

NM_004713.6(NEMF):c.2011C>T (p.Arg671Ter)

Gene: NEMF (nuclear export mediator factor; minus strand). Cytogenetic location: 14q21.3.
Variant type: single nucleotide variant.
Coding change: c.2011C>T on transcript NM_004713.6 (MANE Select); coding-DNA position 2011, C replaced by T.
Protein change: p.Arg671Ter; replaces arginine 671 with a stop codon.
Molecular consequence: nonsense.
Genome position (GRCh38, 1-based): chr14:49,802,537, G>A on the plus strand (C>T on the coding strand, the complement: NEMF is on the minus strand). VCF-style: chr14-49802537-G-A. GRCh37 (hg19) VCF-style: chr14-50269255-G-A.
Other names: c.1948C>T, p.Arg650Ter (NM_001301732.3); short protein forms R650*, R671*.
Identifiers: ClinVar variation 973826 (VCV000973826.4), dbSNP rs765802022, ClinGen allele CA7175062.
Genomic context (GRCh38, chr14:49,802,537, plus strand): 5'-TGAGTTCACTTGTACAACTTGCCAGTGTCTCCATGTCTTCATCCTGTACTCTGACTTTTC[G>A]TTCACCCTGATGTCTCCAAACACAAGACTCATCTACCTAAAGAAACAGTTATTTTTCAGT-3'